The following is an entry in ClinVar:

ClinVar aggregate classification (germline): Uncertain significance (1 of 4 stars; one submission).

Allele frequency attached by ClinVar (database versions not stated): TOPMed 0.00003.
gnomAD v4.1: 1 of 1,611,634 alleles (0.000062%); highest among the groups gnomAD compares: Admixed American, 0.0017%; no homozygotes.

Submission:

Labcorp Genetics (formerly Invitae), Labcorp
Classification: Uncertain significance. Last evaluated: 2026-01-09. Review status: criteria provided, single submitter. Criteria: Invitae Variant Classification Sherloc (09022015). Collection method: clinical testing. Allele origin: germline.
Comment: This sequence change replaces asparagine, which is neutral and polar, with lysine, which is basic and polar, at codon 580 of the BRD4 protein (p.Asn580Lys). This variant is not present in population databases (gnomAD no frequency). This variant has not been reported in the literature in individuals affected with BRD4-related conditions. ClinVar contains an entry for this variant (Variation ID: 2114510). An algorithm developed to predict the effect of missense changes on protein structure and function (PolyPhen-2) suggests that this variant is likely to be tolerated. In summary, the available evidence is currently insufficient to determine the role of this variant in disease. Therefore, it has been classified as a Variant of Uncertain Significance.

NM_001379291.1(BRD4):c.1740C>G (p.Asn580Lys)

Gene: BRD4 (bromodomain containing 4; minus strand). Cytogenetic location: 19p13.12.
Variant type: single nucleotide variant.
Coding change: c.1740C>G on transcript NM_001379291.1 (MANE Select); coding-DNA position 1740, C replaced by G.
Protein change: p.Asn580Lys; replaces asparagine 580 with lysine.
Molecular consequence: missense variant.
Genome position (GRCh38, 1-based): chr19:15,256,075, G>C on the plus strand (C>G on the coding strand, the complement: BRD4 is on the minus strand). VCF-style: chr19-15256075-G-C. GRCh37 (hg19) VCF-style: chr19-15366886-G-C.
Other names: c.1740C>G, p.Asn580Lys (NM_001330384.2, NM_001379292.1, NM_014299.3 and 1 more transcripts); short protein forms N580K.
Identifiers: ClinVar variation 2114510 (VCV002114510.4), dbSNP rs757989076, ClinGen allele CA404520442.